The following is an entry in ClinVar:

ClinVar aggregate classification (germline): Uncertain significance (1 of 4 stars; one submission).

Conditions:
Oligodontia-cancer predisposition syndrome. Also called: TOOTH AGENESIS-COLORECTAL CANCER SYNDROME. Identifiers: Orphanet 300576, MedGen C1837750, MONDO:0012075, OMIM 608615. Disease mechanism: loss of function.

Submission:

Labcorp Genetics (formerly Invitae), Labcorp
Classification: Uncertain significance for Oligodontia-cancer predisposition syndrome. Last evaluated: 2025-06-20. Review status: criteria provided, single submitter. Criteria: Invitae Variant Classification Sherloc (09022015). Collection method: clinical testing. Allele origin: germline.
Comment: This sequence change replaces histidine, which is basic and polar, with aspartic acid, which is acidic and polar, at codon 470 of the AXIN2 protein (p.His470Asp). This variant is not present in population databases (gnomAD no frequency). This variant has not been reported in the literature in individuals affected with AXIN2-related conditions. Invitae Evidence Modeling of protein sequence and biophysical properties (such as structural, functional, and spatial information, amino acid conservation, physicochemical variation, residue mobility, and thermodynamic stability) indicates that this missense variant is not expected to disrupt AXIN2 protein function with a negative predictive value of 80%. In summary, the available evidence is currently insufficient to determine the role of this variant in disease. Therefore, it has been classified as a Variant of Uncertain Significance.

NM_004655.4(AXIN2):c.1408C>G (p.His470Asp)

Gene: AXIN2 (axin 2; minus strand). Cytogenetic location: 17q24.1.
Variant type: single nucleotide variant.
Coding change: c.1408C>G on transcript NM_004655.4 (MANE Select); coding-DNA position 1408, C replaced by G.
Protein change: p.His470Asp; replaces histidine 470 with aspartic acid.
Molecular consequence: missense variant.
Genome position (GRCh38, 1-based): chr17:65,537,628, G>C on the plus strand (C>G on the coding strand, the complement: AXIN2 is on the minus strand). VCF-style: chr17-65537628-G-C. GRCh37 (hg19) VCF-style: chr17-63533746-G-C.
Other names: c.1408C>G, p.His470Asp (NM_001363813.1); short protein forms H470D.
Identifiers: ClinVar variation 4741941 (VCV004741941.1).